The following is an entry in ClinVar:

NM_006648.4(WNK2):c.1700C>A (p.Pro567Gln)

Gene: WNK2 (WNK lysine deficient protein kinase 2; plus strand). Cytogenetic location: 9q22.31.
Variant type: single nucleotide variant.
Coding change: c.1700C>A on transcript NM_006648.4 (MANE Select); coding-DNA position 1700, C replaced by A.
Protein change: p.Pro567Gln; replaces proline 567 with glutamine.
Molecular consequence: missense variant.
Genome position (GRCh38, 1-based): chr9:93,247,700, C>A. VCF-style: chr9-93247700-C-A. GRCh37 (hg19) VCF-style: chr9-96009982-C-A.
Other names: c.1700C>A, p.Pro567Gln (NM_001282394.3); short protein forms P567Q.
Identifiers: ClinVar variation 3981740 (VCV003981740.1).
Genomic context (GRCh38, chr9:93,247,700, plus strand): 5'-GGCCCGCGCTGCAGCCCAAGGAGCAGCAGGATGTGGGCAGCCCGGACAAGGCCAGGGGTC[C>A]GCCGGTGCCCCTGCAGGTCCAGGTGACCTACCATGCACAGGCTGGGCAGCCCGGGCCACC-3'
Protein context (NP_006639.3, residues 557-577): DVGSPDKARG[Pro567Gln]PVPLQVQVTY

ClinVar aggregate classification (germline): Uncertain significance (1 of 4 stars; one submission).

Submission:

Ambry Genetics
Classification: Uncertain significance. Last evaluated: 2025-03-28. Review status: criteria provided, single submitter. Criteria: Ambry Variant Classification Scheme 2023. Collection method: clinical testing. Allele origin: germline.
Comment: The p.P567Q variant (also known as c.1700C>A), located in coding exon 7 of the WNK2 gene, results from a C to A substitution at nucleotide position 1700. The proline at codon 567 is replaced by glutamine, an amino acid with similar properties. This amino acid position is conserved. In addition, this alteration is predicted to be tolerated by in silico analysis. Based on the available evidence, the clinical significance of this variant remains unclear.